The following is an entry in ClinVar:

NM_001035.3(RYR2):c.9097C>G (p.Leu3033Val)

Gene: RYR2 (ryanodine receptor 2; plus strand). Cytogenetic location: 1q43.
Variant type: single nucleotide variant.
Coding change: c.9097C>G on transcript NM_001035.3 (MANE Select); coding-DNA position 9097, C replaced by G.
Protein change: p.Leu3033Val; replaces leucine 3033 with valine.
Molecular consequence: missense variant.
Genome position (GRCh38, 1-based): chr1:237,698,994, C>G. VCF-style: chr1-237698994-C-G. GRCh37 (hg19) VCF-style: chr1-237862294-C-G.
Other names: short protein forms L3033V.
Identifiers: ClinVar variation 3572518 (VCV003572518.1).

ClinVar aggregate classification (germline): Uncertain significance (1 of 4 stars; one submission).

Submission:

GeneDx
Classification: Uncertain significance. Last evaluated: 2024-07-11. Review status: criteria provided, single submitter. Criteria: GeneDx Variant Classification Process June 2021. Collection method: clinical testing. Allele origin: germline. Affected: yes.
Comment: Not observed at significant frequency in large population cohorts (gnomAD); In silico analysis supports that this missense variant has a deleterious effect on protein structure/function; Has not been previously published as pathogenic or benign to our knowledge; Not located in one of the three hot-spot regions of the RYR2 gene, where the majority of pathogenic missense variants occur (PMID: 19926015); This variant is associated with the following publications: (PMID: 19926015)